The following is an entry in ClinVar:

NM_001482.3(GATM):c.1084G>C (p.Val362Leu)

Gene: GATM (glycine amidinotransferase; minus strand). Cytogenetic location: 15q21.1.
Variant type: single nucleotide variant.
Coding change: c.1084G>C on transcript NM_001482.3 (MANE Select); coding-DNA position 1084, G replaced by C.
Protein change: p.Val362Leu; replaces valine 362 with leucine.
Molecular consequence: missense variant.
Genome position (GRCh38, 1-based): chr15:45,363,975, C>G on the plus strand (G>C on the coding strand, the complement: GATM is on the minus strand). VCF-style: chr15-45363975-C-G. GRCh37 (hg19) VCF-style: chr15-45656173-C-G.
Other names: c.697G>C, p.Val233Leu (NM_001321015.2); short protein forms V233L, V362L.
Identifiers: ClinVar variation 3236119 (VCV003236119.1), dbSNP rs2541984159, ClinGen allele CA392255889.
Genomic context (GRCh38, chr15:45,363,975, plus strand): 5'-TCTTTTGAATTGGAACTTCATTGGCATCCACCATAACACGTTTTTCATCTAGCATTAAGA[C>G]ATTCATGGAAAGCCATTTGGATGACATCCAGAGTGGATGATCTAAAAACAGCAACAACTG-3'
Protein context (NP_001473.1, residues 352-372): WMSSKWLSMN[Val362Leu]LMLDEKRVMV

ClinVar aggregate classification (germline): Uncertain significance (1 of 4 stars; one submission).

Conditions:
Fanconi renotubular syndrome 1. Also called: FRTS1; Toni-Debre-Fanconi syndrome; Neonatal De Toni-Debre-Fanconi syndrome; De Toni-Fanconi syndrome; LUDER-SHELDON SYNDROME. Identifiers: MedGen C4551503, MONDO:0024525, OMIM 134600.

Submission:

MVZ Medizinische Genetik Mainz
Classification: Uncertain significance for Fanconi renotubular syndrome 1. Last evaluated: 2022-01-21. Review status: criteria provided, single submitter. Criteria: UK Practice Guidelines For Variant Classification V4 01 2020. Collection method: clinical testing. Allele origin: germline. Inheritance: Autosomal dominant inheritance. Affected: yes. Observed: 1 variant allele.
Comment: ACMG Criteria: PM2_SUP, PP3, PP4